The following is an entry in ClinVar:

ClinVar aggregate classification (germline): Uncertain significance (1 of 4 stars; one submission).

Conditions:
POLD1-related polyposis and colorectal cancer syndrome (CRCS10). Also called: Colorectal cancer 10; COLORECTAL CANCER, SUSCEPTIBILITY TO, ON CHROMOSOME 19q; Colorectal cancer, susceptibility to, 10. Identifiers: Orphanet 220460, MedGen C2675481, MONDO:0012953, OMIM 612591.

Submission:

Labcorp Genetics (formerly Invitae), Labcorp
Classification: Uncertain significance for POLD1-related polyposis and colorectal cancer syndrome. Last evaluated: 2024-02-09. Review status: criteria provided, single submitter. Criteria: Invitae Variant Classification Sherloc (09022015). Collection method: clinical testing. Allele origin: germline.
Comment: This sequence change replaces phenylalanine, which is neutral and non-polar, with tyrosine, which is neutral and polar, at codon 479 of the POLD1 protein (p.Phe479Tyr). This variant is not present in population databases (gnomAD no frequency). This variant has not been reported in the literature in individuals affected with POLD1-related conditions. Advanced modeling of protein sequence and biophysical properties (such as structural, functional, and spatial information, amino acid conservation, physicochemical variation, residue mobility, and thermodynamic stability) performed at Invitae indicates that this missense variant is not expected to disrupt POLD1 protein function with a negative predictive value of 80%. In summary, the available evidence is currently insufficient to determine the role of this variant in disease. Therefore, it has been classified as a Variant of Uncertain Significance.

NM_002691.4(POLD1):c.1436T>A (p.Phe479Tyr)

Gene: POLD1 (DNA polymerase delta 1, catalytic subunit; plus strand). Cytogenetic location: 19q13.33.
Variant type: single nucleotide variant.
Coding change: c.1436T>A on transcript NM_002691.4 (MANE Select); coding-DNA position 1436, T replaced by A.
Protein change: p.Phe479Tyr; replaces phenylalanine 479 with tyrosine.
Molecular consequence: missense variant. On other transcripts: non-coding transcript variant (1).
Genome position (GRCh38, 1-based): chr19:50,406,459, T>A. VCF-style: chr19-50406459-T-A. GRCh37 (hg19) VCF-style: chr19-50909716-T-A.
Other names: c.1436T>A, p.Phe479Tyr (NM_001256849.1, NM_001308632.1); short protein forms F479Y.
Identifiers: ClinVar variation 3611704 (VCV003611704.2).